The following is an entry in ClinVar:

NM_017617.5(NOTCH1):c.6490A>C (p.Lys2164Gln)

Gene: NOTCH1 (notch receptor 1; minus strand). Cytogenetic location: 9q34.3.
Variant type: single nucleotide variant.
Coding change: c.6490A>C on transcript NM_017617.5 (MANE Select); coding-DNA position 6490, A replaced by C.
Protein change: p.Lys2164Gln; replaces lysine 2164 with glutamine.
Molecular consequence: missense variant.
Genome position (GRCh38, 1-based): chr9:136,497,249, T>G on the plus strand (A>C on the coding strand, the complement: NOTCH1 is on the minus strand). VCF-style: chr9-136497249-T-G. GRCh37 (hg19) VCF-style: chr9-139391701-T-G.
Other names: short protein forms K2164Q.
Identifiers: ClinVar variation 4881535 (VCV004881535.2).
Genomic context (GRCh38, chr9:136,497,249, plus strand): 5'-GGGACTTCTTCCTCCGTGCCTTGAGGTCCTTGGCCTCCTTGCTTCCACAGGCCAGGCCTT[T>G]GCTGCTGGGCTTGCGGACCTTCTTGCCCTGCACGCCGGGCTTGAGGCTGCCCAGGTAGCC-3'
Protein context (NP_060087.3, residues 2154-2174): QGKKVRKPSS[Lys2164Gln]GLACGSKEAK

ClinVar aggregate classification (germline): Uncertain significance (1 of 4 stars; one submission).

Submission:

Dasa
Classification: Uncertain significance. Last evaluated: 2025-11-25. Review status: criteria provided, single submitter. Criteria: DASA Assertion Criteria. Collection method: clinical testing. Allele origin: germline.
Comment: NM_017617.5(NOTCH1):c.6490A>C (p.Lys2164Gln) is a missense variant that results in the substitution of lysine with glutamine. This variant is absent from population databases. The currently available literature and clinical evidence are not sufficient to establish a definitive association between this variant and the reported condition. Therefore, this variant is classified as a variant of uncertain significance.